The following is an entry in ClinVar:

ClinVar aggregate classification (germline): Uncertain significance (1 of 4 stars; one submission).

gnomAD v4.1: 1 of 1,613,574 alleles (0.000062%); highest among the groups gnomAD compares: Admixed American, 0.0017%; no homozygotes.

Submission:

Labcorp Genetics (formerly Invitae), Labcorp
Classification: Uncertain significance. Last evaluated: 2024-09-24. Review status: criteria provided, single submitter. Criteria: Invitae Variant Classification Sherloc (09022015). Collection method: clinical testing. Allele origin: germline.
Comment: This sequence change replaces isoleucine, which is neutral and non-polar, with valine, which is neutral and non-polar, at codon 668 of the DSG1 protein (p.Ile668Val). This variant is not present in population databases (gnomAD no frequency). This variant has not been reported in the literature in individuals affected with DSG1-related conditions. An algorithm developed to predict the effect of missense changes on protein structure and function outputs the following: PolyPhen-2: "Benign". The valine amino acid residue is found in multiple mammalian species, which suggests that this missense change does not adversely affect protein function. Algorithms developed to predict the effect of sequence changes on RNA splicing suggest that this variant may create or strengthen a splice site. In summary, the available evidence is currently insufficient to determine the role of this variant in disease. Therefore, it has been classified as a Variant of Uncertain Significance.

NM_001942.4(DSG1):c.2002A>G (p.Ile668Val)

Genes: DSG1 (desmoglein 1; plus strand), DSG1-AS1 (DSG1 antisense RNA 1; minus strand). Cytogenetic location: 18q12.1.
Variant type: single nucleotide variant.
Coding change: c.2002A>G on transcript NM_001942.4 (MANE Select); coding-DNA position 2002, A replaced by G.
Protein change: p.Ile668Val; replaces isoleucine 668 with valine.
Molecular consequence: missense variant.
Genome position (GRCh38, 1-based): chr18:31,346,100, A>G. VCF-style: chr18-31346100-A-G. GRCh37 (hg19) VCF-style: chr18-28926063-A-G.
Other names: short protein forms I668V.
Identifiers: ClinVar variation 3621287 (VCV003621287.2).